The following is an entry in ClinVar:

ClinVar aggregate classification (germline): Likely benign (1 of 4 stars; one submission).

Allele frequency attached by ClinVar (database versions not stated): gnomAD 0.01146 and 0.01217; TOPMed 0.01255; 1000 Genomes Project 30x 0.01452; 1000 Genomes Project 0.01458.
gnomAD v4.1: 1,724 of 151,558 alleles (1.1%); highest among the groups gnomAD compares: African/African-American, 3.9%; 28 homozygotes.

Submission:

GeneDx
Classification: Likely benign. Last evaluated: 2021-12-03. Review status: criteria provided, single submitter. Criteria: GeneDx Variant Classification Process June 2021. Collection method: clinical testing. Allele origin: germline. Affected: yes.
Comment: See Variant Classification Assertion Criteria.

NM_173500.4(TTBK2):c.433-248G>A

Gene: TTBK2 (tau tubulin kinase 2; minus strand). Cytogenetic location: 15q15.2.
Variant type: single nucleotide variant.
Coding change: c.433-248G>A on transcript NM_173500.4 (MANE Select); 248 bases into the intron before coding-DNA position 433, G replaced by A.
Molecular consequence: intron variant.
Genome position (GRCh38, 1-based): chr15:42,828,280, C>T on the plus strand (G>A on the coding strand, the complement: TTBK2 is on the minus strand). VCF-style: chr15-42828280-C-T. GRCh37 (hg19) VCF-style: chr15-43120478-C-T.
Identifiers: ClinVar variation 1691147 (VCV001691147.2), dbSNP rs116175323, ClinGen allele CA269920361.